The following is an entry in ClinVar:

NM_001364905.1(LRBA):c.3859A>G (p.Ile1287Val)

Gene: LRBA (LPS responsive beige-like anchor protein; minus strand). Cytogenetic location: 4q31.3.
Variant type: single nucleotide variant.
Coding change: c.3859A>G on transcript NM_001364905.1 (MANE Select); coding-DNA position 3859, A replaced by G.
Protein change: p.Ile1287Val; replaces isoleucine 1287 with valine.
Molecular consequence: missense variant.
Genome position (GRCh38, 1-based): chr4:150,850,869, T>C on the plus strand (A>G on the coding strand, the complement: LRBA is on the minus strand). VCF-style: chr4-150850869-T-C. GRCh37 (hg19) VCF-style: chr4-151772021-T-C.
Other names: c.3859A>G, p.Ile1287Val (NM_001199282.3, NM_001367550.1, NM_006726.5); short protein forms I1287V.
Identifiers: ClinVar variation 390618 (VCV000390618.13), dbSNP rs118037378, ClinGen allele CA3102964.
Genomic context (GRCh38, chr4:150,850,869, plus strand): 5'-GAATACGAAACACAGTAGATCTGGAATCCCTCCTTTGTCCATTAACTGCATCTGGTGCTA[T>C]TCCTTGCCCTGGCTGCTCATGTTGCCTTGATATCTAATACAGAAATTTAAAAAGTAATAA-3'
Protein context (NP_001351834.1, residues 1277-1297): SRQHEQPGQG[Ile1287Val]APDAVNGQRR

ClinVar aggregate classification (germline): Benign/Likely benign. Review status: criteria provided, multiple submitters, no conflicts (2 of 4 stars). 3 submissions from 3 submitters: Benign (1); Likely benign (2). Last evaluated 2025-11-05.

Conditions:
Combined immunodeficiency due to LRBA deficiency. Also called: Common variable immunodeficiency 8, with autoimmunity. Identifiers: Orphanet 445018, MedGen C3553512, MONDO:0013863, OMIM 614700.

Allele frequency attached by ClinVar (database versions not stated): TOPMed 0.00020; ESP Exome Variant Server 0.00031; ExAC 0.00269; gnomAD exomes 0.00281 and 0.00113; 1000 Genomes Project 30x 0.00125; 1000 Genomes Project 0.00160; gnomAD 0.00234 and 0.00242.
gnomAD v4.1: 2,037 of 1,612,194 alleles (0.13%); highest among the groups gnomAD compares: East Asian, 0.14%; 27 homozygotes.

Submissions (3):

Labcorp Genetics (formerly Invitae), Labcorp
Classification: Benign for Combined immunodeficiency due to LRBA deficiency. Last evaluated: 2025-11-05. Review status: criteria provided, single submitter. Criteria: Invitae Variant Classification Sherloc (09022015). Collection method: clinical testing. Allele origin: germline.

GeneDx
Classification: Likely benign. Last evaluated: 2016-11-03. Review status: criteria provided, single submitter. Criteria: GeneDx Variant Classification (06012015). Collection method: clinical testing. Allele origin: germline. Affected: yes.
Comment: This variant is considered likely benign or benign based on one or more of the following criteria: it is a conservative change, it occurs at a poorly conserved position in the protein, it is predicted to be benign by multiple in silico algorithms, and/or has population frequency not consistent with disease.

Breakthrough Genomics
Classification: Likely benign. Review status: criteria provided, single submitter. Criteria: ACMG Guidelines, 2015. Collection method: not provided. Allele origin: germline. Inheritance: Autosomal recessive inheritance. Affected: yes.